The following is an entry in ClinVar:

NM_001009944.3(PKD1):c.9110C>T (p.Ser3037Leu)

Gene: PKD1 (polycystin 1, transient receptor potential channel interacting; minus strand). Cytogenetic location: 16p13.3.
Variant type: single nucleotide variant.
Coding change: c.9110C>T on transcript NM_001009944.3 (MANE Select); coding-DNA position 9110, C replaced by T.
Protein change: p.Ser3037Leu; replaces serine 3037 with leucine.
Molecular consequence: missense variant.
Genome position (GRCh38, 1-based): chr16:2,102,472, G>A on the plus strand (C>T on the coding strand, the complement: PKD1 is on the minus strand). VCF-style: chr16-2102472-G-A. GRCh37 (hg19) VCF-style: chr16-2152473-G-A.
Other names: c.9110C>T, p.Ser3037Leu (NM_000296.4); short protein forms S3037L.
Identifiers: ClinVar variation 5041387 (VCV005041387.1).

ClinVar aggregate classification (germline): Uncertain significance (1 of 4 stars; one submission).

gnomAD v4.1: 7 of 1,559,886 alleles (0.00045%); highest among the groups gnomAD compares: African/African-American, 0.0014%; no homozygotes.

Submission:

CeGaT Center for Human Genetics Tuebingen
Classification: Uncertain significance. Last evaluated: 2026-09-01. Review status: criteria provided, single submitter. Criteria: CeGaT Center For Human Genetics Tuebingen Variant Classification Criteria Version 2. Collection method: clinical testing. Allele origin: germline. Affected: yes. Observed: 1 variant allele.
Comment: PKD1: PM2, PM3:Supporting